The following is an entry in ClinVar:

ClinVar aggregate classification (germline): Uncertain significance (1 of 4 stars; one submission).

gnomAD v4.1: 7 of 1,238,868 alleles (0.00057%); highest among the groups gnomAD compares: Non-Finnish European, 0.00071%; no homozygotes.

Submission:

Women's Health and Genetics/Laboratory Corporation of America, LabCorp
Classification: Uncertain significance. Last evaluated: 2026-06-19. Review status: criteria provided, single submitter. Criteria: LabCorp Variant Classification Summary - May 2015. Collection method: clinical testing. Allele origin: germline.
Comment: Variant summary: CHD3 c.-4005C>G (also known as c.190C>G (p.Arg64Gly) in NM_001005271) is located in the untranscribed region upstream of the CHD3 gene region. The variant was absent in 8700 control chromosomes (gnomAD). The available data on variant occurrences in the general population are insufficient to allow any conclusion about variant significance. To our knowledge, no occurrence of c.-4005C>G in individuals affected with CHD3-related conditions and no experimental evidence demonstrating its impact on protein function have been reported. No submitters have cited clinical-significance assessments for this variant to ClinVar. Based on the evidence outlined above, the variant was classified as uncertain significance.

NM_001005273.3(CHD3):c.-4005C>G

Genes: CHD3 (chromodomain helicase DNA binding protein 3; plus strand), NAA38 (N-alpha-acetyltransferase 38, NatC auxiliary subunit; minus strand). Cytogenetic location: 17p13.1.
Variant type: single nucleotide variant.
Coding change: c.-4005C>G on transcript NM_001005273.3 (MANE Select); 4005 bases upstream of the start codon, C replaced by G.
Molecular consequence: genic upstream transcript variant. On other transcripts: missense variant (5), intron variant (1).
Genome position (GRCh38, 1-based): chr17:7,884,996, C>G. VCF-style: chr17-7884996-C-G. GRCh37 (hg19) VCF-style: chr17-7788314-C-G.
Other names: c.190C>G, p.Arg64Gly (NM_001437509.1, NM_001005271.3, NM_001437504.1 and 2 more transcripts); c.-167+169G>C (NM_001330111.2); short protein forms R64G.
Identifiers: ClinVar variation 4887109 (VCV004887109.1).